The following is an entry in ClinVar:

ClinVar aggregate classification (germline): Uncertain significance (1 of 4 stars; one submission).

Conditions:
Spastic paraplegia. Identifiers: MedGen C0037772, HP:0001258.

Submission:

Labcorp Genetics (formerly Invitae), Labcorp
Classification: Uncertain significance for Spastic paraplegia. Last evaluated: 2024-06-25. Review status: criteria provided, single submitter. Criteria: Invitae Variant Classification Sherloc (09022015). Collection method: clinical testing. Allele origin: germline.
Comment: This sequence change replaces isoleucine, which is neutral and non-polar, with threonine, which is neutral and polar, at codon 225 of the L1CAM protein (p.Ile225Thr). This variant is not present in population databases (gnomAD no frequency). This variant has not been reported in the literature in individuals affected with L1CAM-related conditions. Advanced modeling of protein sequence and biophysical properties (such as structural, functional, and spatial information, amino acid conservation, physicochemical variation, residue mobility, and thermodynamic stability) performed at Invitae indicates that this missense variant is not expected to disrupt L1CAM protein function with a negative predictive value of 95%. In summary, the available evidence is currently insufficient to determine the role of this variant in disease. Therefore, it has been classified as a Variant of Uncertain Significance.

NM_001278116.2(L1CAM):c.674T>C (p.Ile225Thr)

Gene: L1CAM (L1 cell adhesion molecule; minus strand). Cytogenetic location: Xq28.
Variant type: single nucleotide variant.
Coding change: c.674T>C on transcript NM_001278116.2 (MANE Select); coding-DNA position 674, T replaced by C.
Protein change: p.Ile225Thr; replaces isoleucine 225 with threonine.
Molecular consequence: missense variant.
Genome position (GRCh38, 1-based): chrX:153,870,810, A>G on the plus strand (T>C on the coding strand, the complement: L1CAM is on the minus strand). VCF-style: chrX-153870810-A-G. GRCh37 (hg19) VCF-style: chrX-153136265-A-G.
Other names: c.674T>C, p.Ile225Thr (NM_000425.5, NM_024003.3); c.659T>C, p.Ile220Thr (NM_001143963.2); short protein forms I220T, I225T.
Identifiers: ClinVar variation 3627067 (VCV003627067.2).